The following is an entry in ClinVar:

ClinVar aggregate classification (germline): Uncertain significance. Review status: criteria provided, multiple submitters, no conflicts (2 of 4 stars). 2 submissions from 2 submitters: Uncertain significance (2). Last evaluated 2024-01-10.

Conditions:
Familial cancer of breast. Also called: BREAST CANCER, FAMILIAL; Hereditary breast cancer; hereditary breast carcinoma. Identifiers: Orphanet 227535, MedGen C0346153, MONDO:0016419, OMIM 114480. Disease mechanism: loss of function.
Ataxia-telangiectasia syndrome (AT). Also called: Cerebello-oculocutaneous telangiectasia; Immunodeficiency with ataxia telangiectasia; Ataxia-telangiectasia, complementation group D; Ataxia telangiectasia (A-T); ATAXIA-TELANGIECTASIA, COMPLEMENTATION GROUP A; ATAXIA-TELANGIECTASIA, FRESNO VARIANT. Identifiers: Orphanet 100, MedGen C0004135, MONDO:0008840, OMIM 208900.

Allele frequency attached by ClinVar (database versions not stated): gnomAD exomes below 0.00001.

Submissions (2):

Fulgent Genetics
Classification: Uncertain significance for Familial cancer of breast; Ataxia-telangiectasia syndrome. Last evaluated: 2024-01-10. Review status: criteria provided, single submitter. Criteria: ACMG Guidelines, 2015. Collection method: clinical testing. Allele origin: germline.

Labcorp Genetics (formerly Invitae), Labcorp
Classification: Uncertain significance for Ataxia-telangiectasia syndrome. Last evaluated: 2023-12-08. Review status: criteria provided, single submitter. Criteria: Invitae Variant Classification Sherloc (09022015). Collection method: clinical testing. Allele origin: germline.
Comment: This sequence change replaces aspartic acid, which is acidic and polar, with glycine, which is neutral and non-polar, at codon 148 of the ATM protein (p.Asp148Gly). This variant is not present in population databases (gnomAD no frequency). This variant has not been reported in the literature in individuals affected with ATM-related conditions. ClinVar contains an entry for this variant (Variation ID: 2131876). An algorithm developed to predict the effect of missense changes on protein structure and function (PolyPhen-2) suggests that this variant is likely to be disruptive. In summary, the available evidence is currently insufficient to determine the role of this variant in disease. Therefore, it has been classified as a Variant of Uncertain Significance.

NM_000051.4(ATM):c.443A>G (p.Asp148Gly)

Gene: ATM (ATM serine/threonine kinase; plus strand). Cytogenetic location: 11q22.3.
Variant type: single nucleotide variant.
Coding change: c.443A>G on transcript NM_000051.4 (MANE Select); coding-DNA position 443, A replaced by G.
Protein change: p.Asp148Gly; replaces aspartic acid 148 with glycine.
Molecular consequence: missense variant.
Genome position (GRCh38, 1-based): chr11:108,235,781, A>G. VCF-style: chr11-108235781-A-G. GRCh37 (hg19) VCF-style: chr11-108106508-A-G.
Other names: c.443A>G, p.Asp148Gly (NM_001351834.2); short protein forms D148G.
Identifiers: ClinVar variation 2131876 (VCV002131876.5), dbSNP rs2135124684, ClinGen allele CA382525295.
Genomic context (GRCh38, chr11:108,235,781, plus strand): 5'-TGAAAGATTCATCTAATGGTGCTATTTACGGAGCTGATTGTAGCAACATACTACTCAAAG[A>G]CATTCTTTCTGTGAGAAAATACTGGTGTGAAATATCTCAGCAACAGTGGTTAGGTATGTT-3'
Protein context (NP_000042.3, residues 138-158): GADCSNILLK[Asp148Gly]ILSVRKYWCE